The following is an entry in ClinVar:

NM_004333.6(BRAF):c.557T>A (p.Met186Lys)

Gene: BRAF (B-Raf proto-oncogene, serine/threonine kinase; minus strand). Cytogenetic location: 7q34.
Variant type: single nucleotide variant.
Coding change: c.557T>A on transcript NM_004333.6 (MANE Select); coding-DNA position 557, T replaced by A.
Protein change: p.Met186Lys; replaces methionine 186 with lysine.
Molecular consequence: missense variant.
Genome position (GRCh38, 1-based): chr7:140,808,943, A>T on the plus strand (T>A on the coding strand, the complement: BRAF is on the minus strand). VCF-style: chr7-140808943-A-T. GRCh37 (hg19) VCF-style: chr7-140508743-A-T.
Other names: c.557T>A, p.Met186Lys (NM_001354609.2, NM_001374244.1, NM_001374258.1 and 5 more transcripts); c.455T>A, p.Met152Lys (NM_001378470.1); c.401T>A, p.Met134Lys (NM_001378472.1, NM_001378473.1); c.293T>A, p.Met98Lys (NM_001378475.1); short protein forms M152K, M134K, M98K, M186K.
Identifiers: ClinVar variation 2785118 (VCV002785118.3), dbSNP rs2536364852, ClinGen allele CA369591689.

ClinVar aggregate classification (germline): Uncertain significance (1 of 4 stars; one submission).

Conditions:
RASopathy. Also called: Noonan spectrum disorder; rasopathies. Identifiers: Orphanet 536391, MedGen C5555857, MONDO:0021060.

Submission:

Labcorp Genetics (formerly Invitae), Labcorp
Classification: Uncertain significance for RASopathy. Last evaluated: 2023-02-18. Review status: criteria provided, single submitter. Criteria: Invitae Variant Classification Sherloc (09022015). Collection method: clinical testing. Allele origin: germline.
Comment: This variant is not present in population databases (gnomAD no frequency). This sequence change replaces methionine, which is neutral and non-polar, with lysine, which is basic and polar, at codon 186 of the BRAF protein (p.Met186Lys). This variant has not been reported in the literature in individuals affected with BRAF-related conditions. In summary, the available evidence is currently insufficient to determine the role of this variant in disease. Therefore, it has been classified as a Variant of Uncertain Significance. Experimental studies are conflicting or provide insufficient evidence to determine the effect of this variant on BRAF function (PMID: 35078985). Advanced modeling of protein sequence and biophysical properties (such as structural, functional, and spatial information, amino acid conservation, physicochemical variation, residue mobility, and thermodynamic stability) performed at Invitae indicates that this missense variant is not expected to disrupt BRAF protein function.

Literature cited by the submitters: PubMed 35078985.